The following is an entry in ClinVar:

ClinVar aggregate classification (germline): Uncertain significance (1 of 4 stars; one submission).

Submission:

Women's Health and Genetics/Laboratory Corporation of America, LabCorp
Classification: Uncertain significance. Last evaluated: 2026-04-22. Review status: criteria provided, single submitter. Criteria: LabCorp Variant Classification Summary - May 2015. Collection method: clinical testing. Allele origin: germline.
Comment: Variant summary: LIPT2 c.2T>G (p.Met1Arg) alters the initiation codon and is predicted to result either in absence of the protein or truncation of the encoded protein due to translation initiation at a downstream codon, however loss of function has not been established as the molecular mechanism for disease. The variant allele was found at a frequency of 5.4e-05 in 1375490 control chromosomes. This frequency is not significantly higher than estimated for disease-causing variants in LIPT2, allowing no conclusion about variant significance. To our knowledge, no occurrence of c.2T>G in individuals affected with LIPT2-related conditions and no experimental evidence demonstrating its impact on protein function have been reported. No submitters have cited clinical-significance assessments for this variant to ClinVar. Based on the evidence outlined above, the variant was classified as uncertain significance.

NM_001144869.3(LIPT2):c.2T>G (p.Met1Arg)

Genes: LIPT2 (lipoyl(octanoyl) transferase 2; minus strand), LIPT2-AS1 (LIPT2 antisense RNA 1; plus strand). Cytogenetic location: 11q13.4.
Variant type: single nucleotide variant.
Coding change: c.2T>G on transcript NM_001144869.3 (MANE Select); coding-DNA position 2, T replaced by G.
Protein change: p.Met1Arg; changes the start codon (methionine 1).
Molecular consequence: missense variant, initiator codon variant. On other transcripts: non-coding transcript variant (1).
Genome position (GRCh38, 1-based): chr11:74,493,702, A>C on the plus strand (T>G on the coding strand, the complement: LIPT2 is on the minus strand). VCF-style: chr11-74493702-A-C. GRCh37 (hg19) VCF-style: chr11-74204747-A-C.
Other names: c.2T>G, p.Met1Arg (NM_001329941.2, NM_001329942.2); short protein forms M1R.
Identifiers: ClinVar variation 4849170 (VCV004849170.1).